The following is an entry in ClinVar:

ClinVar aggregate classification (germline): Conflicting classifications of pathogenicity. Review status: criteria provided, conflicting classifications (1 of 4 stars). 4 submissions from 4 submitters: Uncertain significance (3); Likely benign (1). Last evaluated 2025-09-01.

Conditions:
Hereditary cancer-predisposing syndrome. Also called: Hereditary neoplastic syndrome; Neoplastic Syndromes, Hereditary; Tumor predisposition; Hereditary Cancer Syndrome. Identifiers: Orphanet 140162, MedGen C0027672, MeSH D009386, MONDO:0015356.
Fanconi anemia complementation group J. Also called: BRIP1-Related Fanconi Anemia. Identifiers: Orphanet 84, MedGen C1836860, MONDO:0012187, OMIM 609054.
Familial cancer of breast. Also called: BREAST CANCER, FAMILIAL; hereditary breast carcinoma; Hereditary breast cancer. Identifiers: Orphanet 227535, MedGen C0346153, MONDO:0016419, OMIM 114480. Disease mechanism: loss of function.

Allele frequency attached by ClinVar (database versions not stated): gnomAD exomes below 0.00001; TOPMed below 0.00001.
gnomAD v4.1: 1 of 1,613,942 alleles (0.000062%); highest among the groups gnomAD compares: Non-Finnish European, 0.000085%; no homozygotes.

Submissions (4):

Women's Health and Genetics/Laboratory Corporation of America, LabCorp
Classification: Uncertain significance. Last evaluated: 2025-09-01. Review status: criteria provided, single submitter. Criteria: LabCorp Variant Classification Summary - May 2015. Collection method: clinical testing. Allele origin: germline.

Color Diagnostics, LLC DBA Color Health
Classification: Uncertain significance for Hereditary cancer-predisposing syndrome. Last evaluated: 2025-04-06. Review status: criteria provided, single submitter. Criteria: ACMG Guidelines, 2015. Collection method: clinical testing. Allele origin: germline.
Comment: This missense variant replaces asparagine with serine at codon 905 of the BRIP1 protein. Computational prediction suggests that this variant may not impact protein structure and function. To our knowledge, functional studies have not been reported for this variant. This variant has not been reported in individuals affected with BRIP1-related disorders in the literature. This variant has not been identified in the general population by the Genome Aggregation Database (gnomAD). The available evidence is insufficient to determine the role of this variant in disease conclusively. Therefore, this variant is classified as a Variant of Uncertain Significance.

Labcorp Genetics (formerly Invitae), Labcorp
Classification: Uncertain significance for Familial cancer of breast; Fanconi anemia complementation group J. Last evaluated: 2025-03-31. Review status: criteria provided, single submitter. Criteria: Invitae Variant Classification Sherloc (09022015). Collection method: clinical testing. Allele origin: germline.
Comment: This sequence change replaces asparagine, which is neutral and polar, with serine, which is neutral and polar, at codon 905 of the BRIP1 protein (p.Asn905Ser). This variant is not present in population databases (gnomAD no frequency). This variant has not been reported in the literature in individuals affected with BRIP1-related conditions. ClinVar contains an entry for this variant (Variation ID: 461126). Invitae Evidence Modeling of protein sequence and biophysical properties (such as structural, functional, and spatial information, amino acid conservation, physicochemical variation, residue mobility, and thermodynamic stability) indicates that this missense variant is not expected to disrupt BRIP1 protein function with a negative predictive value of 95%. In summary, the available evidence is currently insufficient to determine the role of this variant in disease. Therefore, it has been classified as a Variant of Uncertain Significance.

Ambry Genetics
Classification: Likely benign for Hereditary cancer-predisposing syndrome. Last evaluated: 2021-12-15. Review status: criteria provided, single submitter. Criteria: Ambry Variant Classification Scheme 2023. Collection method: clinical testing. Allele origin: germline.

NM_032043.3(BRIP1):c.2714A>G (p.Asn905Ser)

Gene: BRIP1 (BRCA1 interacting DNA helicase 1; minus strand). Cytogenetic location: 17q23.2.
Variant type: single nucleotide variant.
Coding change: c.2714A>G on transcript NM_032043.3 (MANE Select); coding-DNA position 2714, A replaced by G.
Protein change: p.Asn905Ser; replaces asparagine 905 with serine.
Molecular consequence: missense variant.
Genome position (GRCh38, 1-based): chr17:61,686,027, T>C on the plus strand (A>G on the coding strand, the complement: BRIP1 is on the minus strand). VCF-style: chr17-61686027-T-C. GRCh37 (hg19) VCF-style: chr17-59763388-T-C.
Other names: short protein forms N905S.
Identifiers: ClinVar variation 461126 (VCV000461126.12), dbSNP rs1555573412, ClinGen allele CA400481678.